The following is an entry in ClinVar:

NM_182931.3(KMT2E):c.5322_5327del (p.Pro1775_Gln1776del)

Gene: KMT2E (lysine methyltransferase 2E (inactive); plus strand). Cytogenetic location: 7q22.3.
Variant type: Deletion.
Coding change: c.5322_5327del on transcript NM_182931.3 (MANE Select); coding-DNA positions 5322 to 5327, 6 bases deleted (ACCCCA; older notation c.5322_5327delACCCCA).
Protein change: p.Pro1775_Gln1776del.
Genome position (GRCh38, 1-based): chr7:105,113,078-105,113,083, ACCCCA deleted. VCF-style (leftmost placement, unchanged base first): chr7-105113077-GACCCCA-G. GRCh37 (hg19) VCF-style: chr7-104753524-GACCCCA-G.
Other names: c.5196_5201del, p.Pro1733_Gln1734del (NM_001410908.1); c.5322_5327del, p.Pro1775_Gln1776del (NM_018682.4).
Identifiers: ClinVar variation 3645514 (VCV003645514.2).

ClinVar aggregate classification (germline): Uncertain significance (1 of 4 stars; one submission).

Submission:

Labcorp Genetics (formerly Invitae), Labcorp
Classification: Uncertain significance. Last evaluated: 2024-03-12. Review status: criteria provided, single submitter. Criteria: Invitae Variant Classification Sherloc (09022015). Collection method: clinical testing. Allele origin: germline.
Comment: This variant, c.5322_5327del, results in the deletion of 2 amino acid(s) of the KMT2E protein (p.Pro1775_Gln1776del), but otherwise preserves the integrity of the reading frame. This variant is not present in population databases (gnomAD no frequency). This variant has not been reported in the literature in individuals affected with KMT2E-related conditions. Experimental studies and prediction algorithms are not available or were not evaluated, and the functional significance of this variant is currently unknown. In summary, the available evidence is currently insufficient to determine the role of this variant in disease. Therefore, it has been classified as a Variant of Uncertain Significance.